The following is an entry in ClinVar:

NM_020944.3(GBA2):c.111C>G (p.Thr37=)

Gene: GBA2 (glucosylceramidase beta 2; minus strand). Cytogenetic location: 9p13.3.
Variant type: single nucleotide variant.
Coding change: c.111C>G on transcript NM_020944.3 (MANE Select); coding-DNA position 111, C replaced by G.
Protein change: p.Thr37=; no amino-acid change (threonine 37 retained).
Molecular consequence: synonymous variant.
Genome position (GRCh38, 1-based): chr9:35,748,594, G>C on the plus strand (C>G on the coding strand, the complement: GBA2 is on the minus strand). VCF-style: chr9-35748594-G-C. GRCh37 (hg19) VCF-style: chr9-35748591-G-C.
Other names: c.111C>G, p.Thr37= (NM_001330660.2).
Identifiers: ClinVar variation 3342061 (VCV003342061.16).
Genomic context (GRCh38, chr9:35,748,594, plus strand): 5'-CGTCTCTTTTGGGGGTCGGCTGTCTTCGGGACTCTTACAGTCTGTAACCTGCACATCCTT[G>C]GTGCCGCCAGTCTCTTCAGGGCAATAAACTTGTGGATCCTCTTTGGCACAGCTTATCTGC-3'
Protein context (NP_065995.1, residues 27-47): QVYCPEETGG[Thr37=]KDVQVTDCKS

ClinVar aggregate classification (germline): Likely benign (1 of 4 stars; one submission).

Submission:

CeGaT Center for Human Genetics Tuebingen
Classification: Likely benign. Last evaluated: 2024-08-01. Review status: criteria provided, single submitter. Criteria: CeGaT Center For Human Genetics Tuebingen Variant Classification Criteria Version 2. Collection method: clinical testing. Allele origin: germline. Affected: yes. Observed: 1 variant allele.
Comment: GBA2: PM2:Supporting, BP4, BP7